The following is an entry in ClinVar:

ClinVar aggregate classification (germline): Likely benign (1 of 4 stars; one submission).

Submission:

CeGaT Center for Human Genetics Tuebingen
Classification: Likely benign. Last evaluated: 2025-07-01. Review status: criteria provided, single submitter. Criteria: CeGaT Center For Human Genetics Tuebingen Variant Classification Criteria Version 2. Collection method: clinical testing. Allele origin: germline. Affected: yes. Observed: 1 variant allele.
Comment: CIC: BP4, BP7

NM_001386298.1(CIC):c.6504C>T (p.Ala2168=)

Gene: CIC (capicua transcriptional repressor; plus strand). Cytogenetic location: 19q13.2.
Variant type: single nucleotide variant.
Coding change: c.6504C>T on transcript NM_001386298.1 (MANE Select); coding-DNA position 6504, C replaced by T.
Protein change: p.Ala2168=; no amino-acid change (alanine 2168 retained).
Molecular consequence: synonymous variant.
Genome position (GRCh38, 1-based): chr19:42,293,263, C>T. VCF-style: chr19-42293263-C-T. GRCh37 (hg19) VCF-style: chr19-42797415-C-T.
Other names: c.6504C>T, p.Ala2168= (NM_001304815.2, NM_001379482.1, NM_001439183.1 and 2 more transcripts); c.6501C>T, p.Ala2167= (NM_001379480.1, NM_001439184.1, NM_001439185.1 and 1 more transcripts); c.3777C>T, p.Ala1259= (NM_001379484.1, NM_001379485.1, NM_001439190.1 and 1 more transcripts); c.3774C>T, p.Ala1258= (NM_001439189.1, NM_001439191.1).
Identifiers: ClinVar variation 4084688 (VCV004084688.8).